The following is an entry in ClinVar:

ClinVar aggregate classification (germline): Uncertain significance. Review status: criteria provided, multiple submitters, no conflicts (2 of 4 stars). 5 submissions from 5 submitters: Uncertain significance (5). Last evaluated 2025-04-18.

Conditions:
Familial thoracic aortic aneurysm and aortic dissection (TAAD). Also called: Thoracic aortic aneurysms and dissections. Identifiers: Orphanet 91387, MedGen C4707243, MONDO:0019625.
Marfan syndrome (MFS). Also called: Marfan syndrome type 1; Marfan syndrome, classic; Marfan's syndrome; FBN1-Related Marfan Syndrome; MARFAN SYNDROME, TYPE I. Identifiers: Orphanet 284963, Orphanet 558, MedGen C0024796, MONDO:0007947, OMIM 154700.

Allele frequency attached by ClinVar (database versions not stated): gnomAD exomes 0.00002 and 0.00004; TOPMed 0.00003; gnomAD 0.00004 and 0.00003; ExAC 0.00003.
gnomAD v4.1: 60 of 1,612,758 alleles (0.0037%); highest among the groups gnomAD compares: Non-Finnish European, 0.0048%; no homozygotes.

Submissions (5):

Ambry Genetics
Classification: Uncertain significance for Familial thoracic aortic aneurysm and aortic dissection. Last evaluated: 2025-04-18. Review status: criteria provided, single submitter. Criteria: Ambry Variant Classification Scheme 2023. Collection method: clinical testing. Allele origin: germline.
Comment: The p.Q117R variant (also known as c.350A>G), located in coding exon 4 of the FBN1 gene, results from an A to G substitution at nucleotide position 350. The glutamine at codon 117 is replaced by arginine, an amino acid with highly similar properties. This amino acid position is highly conserved in available vertebrate species. In addition, this alteration is predicted to be deleterious by in silico analysis. Since supporting evidence is limited at this time, the clinical significance of this alteration remains unclear.

All of Us Research Program, National Institutes of Health
Classification: Uncertain significance for Marfan syndrome. Last evaluated: 2024-09-23. Review status: criteria provided, single submitter. Criteria: ACMG Guidelines, 2015. Collection method: clinical testing. Allele origin: germline. Inheritance: Autosomal dominant inheritance. Observed: 8 variant alleles, 8 heterozygotes.
Comment: This missense variant replaces glutamine with arginine at codon 117 of the FBN1 protein. Computational prediction suggests that this variant may not impact protein structure and function (internally defined REVEL score threshold <= 0.5, PMID: 27666373). To our knowledge, functional studies have not been reported for this variant. This variant has not been reported in individuals affected with cardiovascular disorders in the literature. This variant has been identified in 5/281882 chromosomes in the general population by the Genome Aggregation Database (gnomAD). The available evidence is insufficient to determine the role of this variant in disease conclusively. Therefore, this variant is classified as a Variant of Uncertain Significance.

This study involves interpretation of variants in research participants for the purpose of population health screening. Participant phenotype was not available at the time of variant classification. Additional details can be found in publication PMID: 35346344, PMCID: PMC8962531

Labcorp Genetics (formerly Invitae), Labcorp
Classification: Uncertain significance for Marfan syndrome; Familial thoracic aortic aneurysm and aortic dissection. Last evaluated: 2024-07-10. Review status: criteria provided, single submitter. Criteria: Invitae Variant Classification Sherloc (09022015). Collection method: clinical testing. Allele origin: germline.
Comment: This sequence change replaces glutamine, which is neutral and polar, with arginine, which is basic and polar, at codon 117 of the FBN1 protein (p.Gln117Arg). This variant is present in population databases (rs777826174, gnomAD 0.003%). This missense change has been observed in individual(s) with clinical features of FBN1-related conditions (Invitae). ClinVar contains an entry for this variant (Variation ID: 519698). Advanced modeling of protein sequence and biophysical properties (such as structural, functional, and spatial information, amino acid conservation, physicochemical variation, residue mobility, and thermodynamic stability) has been performed at Invitae for this missense variant, however the output from this modeling did not meet the statistical confidence thresholds required to predict the impact of this variant on FBN1 protein function. In summary, the available evidence is currently insufficient to determine the role of this variant in disease. Therefore, it has been classified as a Variant of Uncertain Significance.

Color Diagnostics, LLC DBA Color Health
Classification: Uncertain significance for Familial thoracic aortic aneurysm and aortic dissection. Last evaluated: 2024-06-20. Review status: criteria provided, single submitter. Criteria: ACMG Guidelines, 2015. Collection method: clinical testing. Allele origin: germline.
Comment: This missense variant replaces glutamine with arginine at codon 117 of the FBN1 protein. Computational prediction tools indicate that this variant has a neutral impact on protein structure and function. To our knowledge, functional studies have not been reported for this variant. This variant has not been reported in individuals affected with FBN1-related disorders in the literature. This variant has been identified in 5/281882 chromosomes in the general population by the Genome Aggregation Database (gnomAD). The available evidence is insufficient to determine the role of this variant in disease conclusively. Therefore, this variant is classified as a Variant of Uncertain Significance.

GeneDx
Classification: Uncertain significance. Last evaluated: 2023-08-17. Review status: criteria provided, single submitter. Criteria: GeneDx Variant Classification Process June 2021. Collection method: clinical testing. Allele origin: germline. Affected: yes.
Comment: Has not been previously published as pathogenic or benign to our knowledge; In silico analysis supports that this missense variant does not alter protein structure/function; Although located in a EGF-like domain of the FBN1 gene, it does not affect a cysteine residue within this domain; cysteine substitutions in the EGF-like domains represent the majority of pathogenic missense changes associated with FBN1-related disorders (Collod-Beroud et al., 2003); Not observed at significant frequency in large population cohorts (gnomAD)

NM_000138.5(FBN1):c.350A>G (p.Gln117Arg)

Gene: FBN1 (fibrillin 1; minus strand). Cytogenetic location: 15q21.1.
Variant type: single nucleotide variant.
Coding change: c.350A>G on transcript NM_000138.5 (MANE Select); coding-DNA position 350, A replaced by G.
Protein change: p.Gln117Arg; replaces glutamine 117 with arginine.
Molecular consequence: missense variant.
Genome position (GRCh38, 1-based): chr15:48,600,231, T>C on the plus strand (A>G on the coding strand, the complement: FBN1 is on the minus strand). VCF-style: chr15-48600231-T-C. GRCh37 (hg19) VCF-style: chr15-48892428-T-C.
Other names: short protein forms Q117R.
Identifiers: ClinVar variation 519698 (VCV000519698.18), dbSNP rs777826174, ClinGen allele CA050987.